The following is an entry in ClinVar:

NM_001164508.2(NEB):c.1055_1056del (p.Asp351_Tyr352insTer)

Gene: NEB (nebulin; minus strand). Cytogenetic location: 2q23.3.
Variant type: Deletion.
Coding change: c.1055_1056del on transcript NM_001164508.2 (MANE Select); coding-DNA positions 1055 to 1056, 2 bases deleted (AT; older notation c.1055_1056delAT).
Protein change: p.Asp351_Tyr352insTer.
Molecular consequence: nonsense.
Genome position (GRCh38, 1-based): chr2:151,706,977-151,706,978, AT deleted on the plus strand (AT on the coding strand, the reverse complement: NEB is on the minus strand); deleting any 2 consecutive bases within chr2:151,706,977-151,706,979 gives the same sequence; the c. name uses the placement nearest the transcript's 3' end. VCF-style (leftmost placement, unchanged base first): chr2-151706976-CAT-C. GRCh37 (hg19) VCF-style: chr2-152563490-CAT-C.
Other names: NM_001164508.2:c.1055_1056del; c.1055_1056del, p.Asp351_Tyr352insTer (NM_001164507.2, NM_001271208.2, NM_004543.5).
Identifiers: ClinVar variation 3776999 (VCV003776999.1).

ClinVar aggregate classification (germline): Likely pathogenic (1 of 4 stars; one submission).

Conditions:
Nemaline myopathy. Also called: Myopathies, Nemaline. Identifiers: Orphanet 607, MedGen C0206157, MONDO:0018958.

Submission:

Broad Center for Mendelian Genomics, Broad Institute of MIT and Harvard
Classification: Likely pathogenic for Nemaline myopathy. Last evaluated: 2025-03-24. Review status: criteria provided, single submitter. Criteria: ACMG Guidelines, 2015. Collection method: curation. Allele origin: germline. Inheritance: Autosomal recessive inheritance.
Comment: The p.Tyr352Ter variant in NEB has been reported, in the compound heterozygous state, in 1 individual with nemaline myopathy (PMID: 25205138), and has been identified in 0.0003% (3/1164402) of European (non-Finnish) chromosomes by the Genome Aggregation Database (gnomAD). Although this variant has been seen in the general population in a heterozygous state, its frequency is low enough to be consistent with a recessive carrier frequency. This nonsense variant leads to a premature termination codon at position 352, which is predicted to lead to a truncated or absent protein. Loss of function of the NEB gene is an established disease mechanism in autosomal recessive nemaline myopathy. In summary, although additional studies are required to fully establish its clinical significance, this variant is likely pathogenic for autosomal recessive nemaline myopathy. ACMG/AMP Criteria applied: PVS1, PM2_supporting (Richards 2015).